The following is an entry in ClinVar:

ClinVar aggregate classification (germline): Pathogenic (1 of 4 stars; one submission).

Conditions:
Nemaline myopathy 2 (NEM2). Also called: Nemaline myopathy 2, autosomal recessive. Identifiers: MedGen C1850569, MONDO:0009725, OMIM 256030.

Submission:

Labcorp Genetics (formerly Invitae), Labcorp
Classification: Pathogenic for Nemaline myopathy 2. Last evaluated: 2023-03-23. Review status: criteria provided, single submitter. Criteria: Invitae Variant Classification Sherloc (09022015). Collection method: clinical testing. Allele origin: germline.
Comment: This sequence change creates a premature translational stop signal (p.Tyr1114*) in the NEB gene. It is expected to result in an absent or disrupted protein product. Loss-of-function variants in NEB are known to be pathogenic (PMID: 25205138). This variant is not present in population databases (gnomAD no frequency). This variant has not been reported in the literature in individuals affected with NEB-related conditions. For these reasons, this variant has been classified as Pathogenic.

Literature cited by the submitters: PubMed 25205138.

NM_001164508.2(NEB):c.3342T>A (p.Tyr1114Ter)

Gene: NEB (nebulin; minus strand). Cytogenetic location: 2q23.3.
Variant type: single nucleotide variant.
Coding change: c.3342T>A on transcript NM_001164508.2 (MANE Select); coding-DNA position 3342, T replaced by A.
Protein change: p.Tyr1114Ter; replaces tyrosine 1114 with a stop codon.
Molecular consequence: nonsense.
Genome position (GRCh38, 1-based): chr2:151,678,101, A>T on the plus strand (T>A on the coding strand, the complement: NEB is on the minus strand). VCF-style: chr2-151678101-A-T. GRCh37 (hg19) VCF-style: chr2-152534615-A-T.
Other names: c.3342T>A, p.Tyr1114Ter (NM_001164507.2, NM_001271208.2, NM_004543.5); short protein forms Y1114*.
Identifiers: ClinVar variation 2847876 (VCV002847876.3), dbSNP rs2552262726, ClinGen allele CA348819332.
Genomic context (GRCh38, chr2:151,678,101, plus strand): 5'-CTTTGTCTTCTCATAGTCTTTTTTATACTCCCGATCTGATTGTATCTTGGCCACGTTCAT[A>T]TAATGAACCAGTTTAGGGTCATCTTGAAGACTTTGGAAGCCAACCATTTTCCCTTTAGCC-3'